The following is an entry in ClinVar:

NM_014141.6(CNTNAP2):c.939+9G>C

Gene: CNTNAP2 (contactin associated protein 2; plus strand). Cytogenetic location: 7q35.
Variant type: single nucleotide variant.
Coding change: c.939+9G>C on transcript NM_014141.6 (MANE Select); 9 bases into the intron after coding-DNA position 939, G replaced by C.
Molecular consequence: intron variant.
Genome position (GRCh38, 1-based): chr7:147,121,172, G>C. VCF-style: chr7-147121172-G-C. GRCh37 (hg19) VCF-style: chr7-146818264-G-C.
Identifiers: ClinVar variation 668353 (VCV000668353.10), dbSNP rs942290509, ClinGen allele CA168689483.

ClinVar aggregate classification (germline): Likely benign. Review status: criteria provided, multiple submitters, no conflicts (2 of 4 stars). 2 submissions from 2 submitters: Likely benign (2). Last evaluated 2024-07-15.

Conditions:
Cortical dysplasia-focal epilepsy syndrome (PTHSL1). Also called: Pitt-Hopkins-like syndrome 1. Identifiers: Orphanet 163681, Orphanet 221150, MedGen C2750246, MONDO:0012400, OMIM 610042.

Allele frequency attached by ClinVar (database versions not stated): TOPMed 0.00002.
gnomAD v4.1: 4 of 1,613,320 alleles (0.00025%); highest among the groups gnomAD compares: African/African-American, 0.0053%; no homozygotes.

Submissions (2):

Labcorp Genetics (formerly Invitae), Labcorp
Classification: Likely benign for Cortical dysplasia-focal epilepsy syndrome. Last evaluated: 2024-07-15. Review status: criteria provided, single submitter. Criteria: Invitae Variant Classification Sherloc (09022015). Collection method: clinical testing. Allele origin: germline.

GeneDx
Classification: Likely benign. Last evaluated: 2018-05-16. Review status: criteria provided, single submitter. Criteria: GeneDx Variant Classification (06012015). Collection method: clinical testing. Allele origin: germline. Affected: yes.
Comment: This variant is considered likely benign or benign based on one or more of the following criteria: it is a conservative change, it occurs at a poorly conserved position in the protein, it is predicted to be benign by multiple in silico algorithms, and/or has population frequency not consistent with disease.